The following is an entry in ClinVar:

NM_001378615.1(CC2D2A):c.857T>C (p.Leu286Pro)

Genes: CC2D2A (coiled-coil and C2 domain containing 2A; plus strand), FBXL5 (F-box and leucine rich repeat protein 5; minus strand). Cytogenetic location: 4p15.32.
Variant type: single nucleotide variant.
Coding change: c.857T>C on transcript NM_001378615.1 (MANE Select); coding-DNA position 857, T replaced by C.
Protein change: p.Leu286Pro; replaces leucine 286 with proline.
Molecular consequence: missense variant.
Genome position (GRCh38, 1-based): chr4:15,514,846, T>C. VCF-style: chr4-15514846-T-C. GRCh37 (hg19) VCF-style: chr4-15516469-T-C.
Other names: c.857T>C, p.Leu286Pro (NM_001080522.2); c.710T>C, p.Leu237Pro (NM_001378617.1); short protein forms L237P, L286P.
Identifiers: ClinVar variation 1440738 (VCV001440738.6), dbSNP rs776020343, ClinGen allele CA2863506.
Genomic context (GRCh38, chr4:15,514,846, plus strand): 5'-CAGTCAGACCTGCAGATTATGAAAGCATCCATGATCGGCTGCAGATGGAAAGAGAAATGC[T>C]CTTCATACCCAGTAGGCAGACAGGTACTTGCTCTTTTTATTTTCTTGTTCAGCTTAGACA-3'
Protein context (NP_001365544.1, residues 276-296): HDRLQMEREM[Leu286Pro]FIPSRQTVPT

ClinVar aggregate classification (germline): Uncertain significance. Review status: criteria provided, multiple submitters, no conflicts (2 of 4 stars). 2 submissions from 2 submitters: Uncertain significance (2). Last evaluated 2024-06-05.

Conditions:
COACH syndrome 2. Identifiers: MedGen C5436837, MONDO:0030859, OMIM 619111.
Meckel syndrome, type 6. Identifiers: Orphanet 564, MedGen C2676790, MONDO:0012848, OMIM 612284.
Retinitis pigmentosa 93. Identifiers: MedGen C5676970, MONDO:0030797, OMIM 619845.
Joubert syndrome 9 (JBTS9). Identifiers: Orphanet 2318, MedGen C2676788, MONDO:0012849, OMIM 612285.
Joubert syndrome. Also called: JOUBERT-BOLTSHAUSER SYNDROME; Familial aplasia of the vermis. Identifiers: Orphanet 475, MedGen C5979921, MONDO:0018772.
Meckel-Gruber syndrome. Also called: DYSENCEPHALIA SPLANCHNOCYSTICA; GRUBER SYNDROME; Dysencephalia splachnocystica. Identifiers: Orphanet 564, MedGen C0265215, MONDO:0018921.

Allele frequency attached by ClinVar (database versions not stated): gnomAD exomes below 0.00001 and 0.00002; TOPMed below 0.00001; ExAC 0.00001; gnomAD 0.00001.
gnomAD v4.1: 29 of 1,613,796 alleles (0.0018%); highest among the groups gnomAD compares: Non-Finnish European, 0.0022%; no homozygotes.

Submissions (2):

Fulgent Genetics
Classification: Uncertain significance for Meckel syndrome, type 6; Joubert syndrome 9; COACH syndrome 2; Retinitis pigmentosa 93. Last evaluated: 2024-06-05. Review status: criteria provided, single submitter. Criteria: ACMG Guidelines, 2015. Collection method: clinical testing. Allele origin: germline.

Labcorp Genetics (formerly Invitae), Labcorp
Classification: Uncertain significance for Joubert syndrome; Meckel-Gruber syndrome. Last evaluated: 2021-08-14. Review status: criteria provided, single submitter. Criteria: Invitae Variant Classification Sherloc (09022015). Collection method: clinical testing. Allele origin: germline.
Comment: This sequence change replaces leucine with proline at codon 286 of the CC2D2A protein (p.Leu286Pro). The leucine residue is moderately conserved and there is a moderate physicochemical difference between leucine and proline. This variant is present in population databases (rs776020343, ExAC 0.001%). This variant has not been reported in the literature in individuals affected with CC2D2A-related conditions. Advanced modeling of protein sequence and biophysical properties (such as structural, functional, and spatial information, amino acid conservation, physicochemical variation, residue mobility, and thermodynamic stability) performed at Invitae indicates that this missense variant is expected to disrupt CC2D2A protein function. In summary, the available evidence is currently insufficient to determine the role of this variant in disease. Therefore, it has been classified as a Variant of Uncertain Significance.